The following is an entry in ClinVar:

NM_020442.6(VARS2):c.3092T>G (p.Leu1031Arg)

Gene: VARS2 (valyl-tRNA synthetase 2, mitochondrial; plus strand). Cytogenetic location: 6p21.33.
Variant type: single nucleotide variant.
Coding change: c.3092T>G on transcript NM_020442.6 (MANE Select); coding-DNA position 3092, T replaced by G.
Protein change: p.Leu1031Arg; replaces leucine 1031 with arginine.
Molecular consequence: missense variant.
Genome position (GRCh38, 1-based): chr6:30,926,110, T>G. VCF-style: chr6-30926110-T-G. GRCh37 (hg19) VCF-style: chr6-30893887-T-G.
Other names: p.Leu1061Arg; c.2672T>G, p.Leu891Arg (NM_001167733.3); c.3182T>G, p.Leu1061Arg (NM_001167734.2); short protein forms L891R, L1031R, L1061R.
Identifiers: ClinVar variation 1032685 (VCV001032685.10), dbSNP rs201946203, ClinGen allele CA3706467.

ClinVar aggregate classification (germline): Uncertain significance. Review status: criteria provided, multiple submitters, no conflicts (2 of 4 stars). 5 submissions from 5 submitters: Uncertain significance (5). Last evaluated 2025-08-22.

Conditions:
Inborn genetic diseases. Identifiers: MedGen C0950123, MeSH D030342.
Combined oxidative phosphorylation defect type 20. Also called: Combined oxidative phosphorylation deficiency 20. Identifiers: Orphanet 420728, MedGen C4014660, MONDO:0014397, OMIM 615917.

Allele frequency attached by ClinVar (database versions not stated): ExAC 0.00002; gnomAD 0.00006; TOPMed 0.00006; gnomAD exomes 0.00006 and 0.00009.
gnomAD v4.1: 135 of 1,612,944 alleles (0.0084%); highest among the groups gnomAD compares: Non-Finnish European, 0.011%; no homozygotes.

Submissions (5):

Ambry Genetics
Classification: Uncertain significance for Inborn genetic diseases. Last evaluated: 2025-08-22. Review status: criteria provided, single submitter. Criteria: Ambry Variant Classification Scheme 2023. Collection method: clinical testing. Allele origin: germline.

Mayo Clinic Laboratories, Mayo Clinic
Classification: Uncertain significance. Last evaluated: 2025-02-22. Review status: criteria provided, single submitter. Criteria: ACMG Guidelines, 2015. Collection method: clinical testing. Allele origin: germline. Observed: 1 variant allele.
Comment: BP4, PM2_supporting

Labcorp Genetics (formerly Invitae), Labcorp
Classification: Uncertain significance. Last evaluated: 2022-08-16. Review status: criteria provided, single submitter. Criteria: Invitae Variant Classification Sherloc (09022015). Collection method: clinical testing. Allele origin: germline.
Comment: This sequence change replaces leucine, which is neutral and non-polar, with arginine, which is basic and polar, at codon 1061 of the VARS2 protein (p.Leu1061Arg). This variant is present in population databases (rs201946203, gnomAD 0.01%). This variant has not been reported in the literature in individuals affected with VARS2-related conditions. ClinVar contains an entry for this variant (Variation ID: 1032685). Algorithms developed to predict the effect of missense changes on protein structure and function are either unavailable or do not agree on the potential impact of this missense change (SIFT: "Deleterious"; PolyPhen-2: "Probably Damaging"; Align-GVGD: "Class C0"). In summary, the available evidence is currently insufficient to determine the role of this variant in disease. Therefore, it has been classified as a Variant of Uncertain Significance.

Baylor Genetics
Classification: Uncertain significance for Combined oxidative phosphorylation defect type 20. Last evaluated: 2018-04-13. Review status: criteria provided, single submitter. Criteria: ACMG Guidelines, 2015. Collection method: clinical testing. Allele origin: unknown. Affected: yes.
Comment: This variant was determined to be of uncertain significance according to ACMG Guidelines, 2015 [PMID:25741868].

Breakthrough Genomics
Classification: Uncertain significance. Review status: criteria provided, single submitter. Criteria: ACMG Guidelines, 2015. Collection method: not provided. Allele origin: germline. Inheritance: Autosomal recessive inheritance. Affected: yes.